The following is an entry in ClinVar:

NM_001754.5(RUNX1):c.*1096A>C

Gene: RUNX1 (RUNX family transcription factor 1; minus strand). Cytogenetic location: 21q22.12.
Variant type: single nucleotide variant.
Coding change: c.*1096A>C on transcript NM_001754.5 (MANE Select); 1096 bases downstream of the stop codon, A replaced by C.
Molecular consequence: 3 prime UTR variant.
Genome position (GRCh38, 1-based): chr21:34,791,039, T>G on the plus strand (A>C on the coding strand, the complement: RUNX1 is on the minus strand). VCF-style: chr21-34791039-T-G. GRCh37 (hg19) VCF-style: chr21-36163336-T-G.
Other names: c.*1096A>C (NM_001001890.3).
Identifiers: ClinVar variation 339850 (VCV000339850.6), dbSNP rs528969148, ClinGen allele CA10650425.

ClinVar aggregate classification (germline): Benign. Review status: reviewed by expert panel (3 of 4 stars). 2 submissions from 2 submitters: Benign (1). 1 of the submissions does not count toward it. Last evaluated 2023-11-13.

Conditions:
Hereditary thrombocytopenia and hematologic cancer predisposition syndrome. Identifiers: Orphanet 71290, MedGen CN281654, MONDO:0011071.
Hereditary thrombocytopenia and hematological cancer predisposition syndrome associated with RUNX1. Also called: PLATELET DISORDER, ASPIRIN-LIKE; RUNX1 Familial Platelet Disorder with Associated Myeloid Malignancies; Familial Platelet Disorder with Propensity to Acute Myelogenous Leukemia; Familial thrombocytopenia with propensity to acute myelogenous leukemia. Identifiers: Orphanet 71290, MedGen C1832388, MeSH C563324, MONDO:0100083, OMIM 601399.

Allele frequency attached by ClinVar (database versions not stated): 1000 Genomes Project 30x 0.00016; 1000 Genomes Project 0.00020; gnomAD 0.00035 and 0.00037; gnomAD exomes 0.00052; TOPMed 0.00061.
gnomAD v4.1: 95 of 233,716 alleles (0.041%); highest among the groups gnomAD compares: Admixed American, 0.17%; no homozygotes.

Submissions (2):

ClinGen Myeloid Malignancy Variant Curation Expert Panel
Classification: Benign for Hereditary thrombocytopenia and hematologic cancer predisposition syndrome. Last evaluated: 2023-11-13. Review status: reviewed by expert panel. Criteria: ClinGen MyeloMalig ACMG Specifications v2. Collection method: curation. Allele origin: germline. Inheritance: Autosomal dominant inheritance.
Comment: NM_001754.5(RUNX1):c.*1096A>C is an intronic variant. Highest MAF of 0.00032 (0.032%) (5/15428) in European (non-Finnish) population in gnomAD v2 is between 0.00015 (0.015%) and 0.0015 (0.15%) (BS1). REVEL score not applicable and SpliceAI score of score <= 0.20 (Acceptor Loss 0.00) (BP4). Evolutionary conservation prediction algorithms predict the site as not being conserved (PhyloP score -0.37 < 2.0). In summary, this variant meets criteria to be classified as benign. ACMG/AMP criteria applied, as specified by the Myeloid Malignancy Variant Curation Expert Panel for RUNX1: BS1, BP4, BP7

Illumina Laboratory Services, Illumina
Classification: Uncertain significance for Hereditary thrombocytopenia and hematological cancer predisposition syndrome associated with RUNX1. Last evaluated: 2018-01-13. Review status: criteria provided, single submitter. Criteria: ICSL Variant Classification Criteria 13 December 2019. Collection method: clinical testing. Allele origin: germline. Not counted in ClinVar's aggregate classification.